The following is an entry in ClinVar:

NM_001143831.3(GRM5):c.3123G>C (p.Ser1041=)

Genes: GRM5 (glutamate metabotropic receptor 5; minus strand), GRM5-AS1 (GRM5 antisense RNA 1; plus strand). Cytogenetic location: 11q14.2.
Variant type: single nucleotide variant.
Coding change: c.3123G>C on transcript NM_001143831.3 (MANE Select); coding-DNA position 3123, G replaced by C.
Protein change: p.Ser1041=; no amino-acid change (serine 1041 retained).
Molecular consequence: synonymous variant.
Genome position (GRCh38, 1-based): chr11:88,509,108, C>G on the plus strand (G>C on the coding strand, the complement: GRM5 is on the minus strand). VCF-style: chr11-88509108-C-G. GRCh37 (hg19) VCF-style: chr11-88242276-C-G.
Other names: c.3027G>C, p.Ser1009= (NM_001384268.1, NM_000842.5).
Identifiers: ClinVar variation 2642258 (VCV002642258.24), dbSNP rs1012015295, ClinGen allele CA476492223.

ClinVar aggregate classification (germline): Likely benign (1 of 4 stars; one submission).

Allele frequency attached by ClinVar (database versions not stated): gnomAD 0.00001.
gnomAD v4.1: 10 of 1,547,014 alleles (0.00065%); highest among the groups gnomAD compares: South Asian, 0.0012%; no homozygotes.

Submission:

CeGaT Center for Human Genetics Tuebingen
Classification: Likely benign. Last evaluated: 2023-02-01. Review status: criteria provided, single submitter. Criteria: CeGaT Center For Human Genetics Tuebingen Variant Classification Criteria Version 2. Collection method: clinical testing. Allele origin: germline. Affected: yes. Observed: 1 variant allele.
Comment: GRM5: BP4, BP7